The following is an entry in ClinVar:

NM_003613.4(CILP):c.198C>T (p.Gly66=)

Gene: CILP (cartilage intermediate layer protein; minus strand). Cytogenetic location: 15q22.31.
Variant type: single nucleotide variant.
Coding change: c.198C>T on transcript NM_003613.4 (MANE Select); coding-DNA position 198, C replaced by T.
Protein change: p.Gly66=; no amino-acid change (glycine 66 retained).
Molecular consequence: synonymous variant.
Genome position (GRCh38, 1-based): chr15:65,207,008, G>A on the plus strand (C>T on the coding strand, the complement: CILP is on the minus strand). VCF-style: chr15-65207008-G-A. GRCh37 (hg19) VCF-style: chr15-65499346-G-A.
Other names: NC_000015.9:g.65499346G>A.
Identifiers: ClinVar variation 2645458 (VCV002645458.25), dbSNP rs140056373, ClinGen allele CA7615862.

ClinVar aggregate classification (germline): Likely benign (1 of 4 stars; one submission).

Allele frequency attached by ClinVar (database versions not stated): ExAC 0.00048; ESP Exome Variant Server 0.00115; gnomAD 0.00126; 1000 Genomes Project 30x 0.00234; 1000 Genomes Project 0.00240.
gnomAD v4.1: 420 of 1,613,910 alleles (0.026%); highest among the groups gnomAD compares: African/African-American, 0.45%; 2 homozygotes.

Submissions (2):

CeGaT Center for Human Genetics Tuebingen
Classification: Likely benign. Last evaluated: 2023-04-01. Review status: criteria provided, single submitter. Criteria: CeGaT Center For Human Genetics Tuebingen Variant Classification Criteria Version 2. Collection method: clinical testing. Allele origin: germline. Affected: yes. Observed: 1 variant allele.
Comment: CILP: BP4, BP7

Dr. Peter K. Rogan Lab, Western University
No classification provided (evidence only). Condition: Acute myeloid leukemia. Review status: no classification provided. Collection method: in vitro. Allele origin: not applicable. Functional consequence: retained intron. Not counted in ClinVar's aggregate classification.